The following is an entry in ClinVar:

ClinVar aggregate classification (germline): Uncertain significance (1 of 4 stars; one submission).

gnomAD v4.1: 6 of 1,551,280 alleles (0.00039%); highest among the groups gnomAD compares: Non-Finnish European, 0.00045%; no homozygotes.

Submission:

Women's Health and Genetics/Laboratory Corporation of America, LabCorp
Classification: Uncertain significance. Last evaluated: 2026-05-22. Review status: criteria provided, single submitter. Criteria: LabCorp Variant Classification Summary - May 2015. Collection method: clinical testing. Allele origin: germline.
Comment: Variant summary: CD96 c.1142A>G (p.Glu381Gly) results in a non-conservative amino acid change in the encoded protein sequence. Algorithms developed to predict the effect of missense changes on protein structure and function are either unavailable or do not agree on the potential impact of this missense change. The variant allele was found at a frequency of 4e-06 in 251296 control chromosomes. The available data on variant occurrences in the general population are insufficient to allow any conclusion about variant significance. To our knowledge, no occurrence of c.1142A>G in individuals affected with CD96-related conditions and no experimental evidence demonstrating its impact on protein function have been reported. No submitters have cited clinical-significance assessments for this variant to ClinVar. Based on the evidence outlined above, the variant was classified as uncertain significance.

NM_005816.5(CD96):c.1094A>G (p.Glu365Gly)

Gene: CD96 (CD96 molecule; plus strand). Cytogenetic location: 3q13.2.
Variant type: single nucleotide variant.
Coding change: c.1094A>G on transcript NM_005816.5 (MANE Select); coding-DNA position 1094, A replaced by G.
Protein change: p.Glu365Gly; replaces glutamic acid 365 with glycine.
Molecular consequence: missense variant. On other transcripts: non-coding transcript variant (1).
Genome position (GRCh38, 1-based): chr3:111,606,706, A>G. VCF-style: chr3-111606706-A-G. GRCh37 (hg19) VCF-style: chr3-111325553-A-G.
Other names: c.1094A>G, p.Glu365Gly (NM_001318889.2, NM_001410800.1); c.1142A>G, p.Glu381Gly (NM_198196.3); short protein forms E365G, E381G.
Identifiers: ClinVar variation 4853711 (VCV004853711.1).